The following is an entry in ClinVar:

ClinVar aggregate classification (germline): Likely benign. Review status: criteria provided, single submitter (1 of 4 stars). 2 submissions from 2 submitters: Likely benign (1). 1 of the submissions does not count toward it. Last evaluated 2023-05-24.

Conditions:
Rubinstein-Taybi syndrome due to EP300 haploinsufficiency. Also called: EP300-Related Rubinstein-Taybi Syndrome; RUBINSTEIN-TAYBI SYNDROME 2. Identifiers: Orphanet 353284, Orphanet 783, MedGen C3150941, MONDO:0013364, OMIM 613684.
EP300-related disorder. Also called: EP300-related condition; EP300-related disorders.

Allele frequency attached by ClinVar (database versions not stated): gnomAD exomes below 0.00001; gnomAD 0.00004; TOPMed 0.00006.
gnomAD v4.1: 11 of 1,614,102 alleles (0.00068%); highest among the groups gnomAD compares: African/African-American, 0.015%; no homozygotes.

Submissions (2):

Labcorp Genetics (formerly Invitae), Labcorp
Classification: Likely benign for Rubinstein-Taybi syndrome due to EP300 haploinsufficiency. Last evaluated: 2023-05-24. Review status: criteria provided, single submitter. Criteria: Invitae Variant Classification Sherloc (09022015). Collection method: clinical testing. Allele origin: germline.

PreventionGenetics, part of Exact Sciences
Classification: Likely benign for EP300-related condition. Last evaluated: 2021-06-02. Review status: no assertion criteria provided. Collection method: clinical testing. Allele origin: germline. Not counted in ClinVar's aggregate classification.
Comment: This variant is classified as likely benign based on ACMG/AMP sequence variant interpretation guidelines (Richards et al. 2015 PMID: 25741868, with internal and published modifications).

NM_001429.4(EP300):c.4149T>C (p.Ser1383=)

Gene: EP300 (EP300 lysine acetyltransferase; plus strand). Cytogenetic location: 22q13.2.
Variant type: single nucleotide variant.
Coding change: c.4149T>C on transcript NM_001429.4 (MANE Select); coding-DNA position 4149, T replaced by C.
Protein change: p.Ser1383=; no amino-acid change (serine 1383 retained).
Molecular consequence: synonymous variant.
Genome position (GRCh38, 1-based): chr22:41,168,844, T>C. VCF-style: chr22-41168844-T-C. GRCh37 (hg19) VCF-style: chr22-41564848-T-C.
Other names: c.4149T>C (NM_001429.3); c.4071T>C, p.Ser1357= (NM_001362843.2).
Identifiers: ClinVar variation 3022759 (VCV003022759.4), dbSNP rs1034313445, ClinGen allele CA324553277.
Genomic context (GRCh38, chr22:41,168,844, plus strand): 5'-TGAAGAAATTGATGGTGTTGACCTGTGCTTCTTTGGCATGCATGTTCAAGAGTATGGCTC[T>C]GACTGCCCTCCACCCAACCAGAGGTATGACTAGCTCACAGTGGCTAGCTCCGGATTTGTG-3'
Protein context (NP_001420.2, residues 1373-1393): FFGMHVQEYG[Ser1383=]DCPPPNQRRV